The following is an entry in ClinVar:

ClinVar aggregate classification (germline): Likely benign. Review status: criteria provided, multiple submitters, no conflicts (2 of 4 stars). 2 submissions from 2 submitters: Likely benign (2). Last evaluated 2018-06-16.

Allele frequency attached by ClinVar (database versions not stated): gnomAD exomes 0.00270; gnomAD 0.01032 and 0.01069; TOPMed 0.01099; 1000 Genomes Project 0.01278; 1000 Genomes Project 30x 0.01296.
gnomAD v4.1: 3,346 of 808,016 alleles (0.41%); highest among the groups gnomAD compares: African/African-American, 3.4%; 49 homozygotes.

Submissions (2):

GeneDx
Classification: Likely benign. Last evaluated: 2018-06-16. Review status: criteria provided, single submitter. Criteria: GeneDx Variant Classification (06012015). Collection method: clinical testing. Allele origin: germline. Affected: yes.
Comment: This variant is considered likely benign or benign based on one or more of the following criteria: it is a conservative change, it occurs at a poorly conserved position in the protein, it is predicted to be benign by multiple in silico algorithms, and/or has population frequency not consistent with disease.

Breakthrough Genomics
Classification: Likely benign. Review status: criteria provided, single submitter. Criteria: ACMG Guidelines, 2015. Collection method: not provided. Allele origin: germline. Inheritance: Autosomal recessive inheritance. Affected: yes.

NM_014244.5(ADAMTS2):c.892-111T>C

Gene: ADAMTS2 (ADAM metallopeptidase with thrombospondin type 1 motif 2; minus strand). Cytogenetic location: 5q35.3.
Variant type: single nucleotide variant.
Coding change: c.892-111T>C on transcript NM_014244.5 (MANE Select); 111 bases into the intron before coding-DNA position 892, T replaced by C.
Molecular consequence: intron variant.
Genome position (GRCh38, 1-based): chr5:179,181,266, A>G on the plus strand (T>C on the coding strand, the complement: ADAMTS2 is on the minus strand). VCF-style: chr5-179181266-A-G. GRCh37 (hg19) VCF-style: chr5-178608267-A-G.
Other names: c.892-111T>C (NM_021599.4).
Identifiers: ClinVar variation 679080 (VCV000679080.2), dbSNP rs73809711, ClinGen allele CA133030587.